The following is an entry in ClinVar:

NM_003356.4(UCP3):c.724A>G (p.Lys242Glu)

Gene: UCP3 (uncoupling protein 3; minus strand). Cytogenetic location: 11q13.4.
Variant type: single nucleotide variant.
Coding change: c.724A>G on transcript NM_003356.4 (MANE Select); coding-DNA position 724, A replaced by G.
Protein change: p.Lys242Glu; replaces lysine 242 with glutamic acid.
Molecular consequence: missense variant.
Genome position (GRCh38, 1-based): chr11:74,003,927, T>C on the plus strand (A>G on the coding strand, the complement: UCP3 is on the minus strand). VCF-style: chr11-74003927-T-C. GRCh37 (hg19) VCF-style: chr11-73714972-T-C.
Other names: c.724A>G, p.Lys242Glu (NM_022803.3); short protein forms K242E.
Identifiers: ClinVar variation 2291658 (VCV002291658.4), dbSNP rs772301535, ClinGen allele CA6181379.

ClinVar aggregate classification (germline): Uncertain significance. Review status: criteria provided, single submitter (1 of 4 stars). 2 submissions from 2 submitters: Uncertain significance (1). 1 of the submissions does not count toward it. Last evaluated 2024-08-27.

Conditions:
UCP3-related disorder. Also called: UCP3-related condition.

Allele frequency attached by ClinVar (database versions not stated): gnomAD exomes below 0.00001; ExAC 0.00001; TOPMed 0.00005; gnomAD 0.00007.

Submissions (2):

Ambry Genetics
Classification: Uncertain significance. Last evaluated: 2024-08-27. Review status: criteria provided, single submitter. Criteria: Ambry Variant Classification Scheme 2023. Collection method: clinical testing. Allele origin: germline.

PreventionGenetics, part of Exact Sciences
Classification: Uncertain significance for UCP3-related condition. Last evaluated: 2024-04-30. Review status: no assertion criteria provided. Collection method: clinical testing. Allele origin: germline. Not counted in ClinVar's aggregate classification.
Comment: The UCP3 c.724A>G variant is predicted to result in the amino acid substitution p.Lys242Glu. To our knowledge, this variant has not been reported in the literature. This variant is reported in 0.028% of alleles in individuals of African descent in gnomAD. At this time, the clinical significance of this variant is uncertain due to the absence of conclusive functional and genetic evidence.